The following is an entry in ClinVar:

NM_000516.7(GNAS):c.432+3A>G

Gene: GNAS (GNAS complex locus; plus strand). Cytogenetic location: 20q13.32.
Variant type: single nucleotide variant.
Coding change: c.432+3A>G on transcript NM_000516.7 (MANE Select); 3 bases into the intron after coding-DNA position 432, A replaced by G.
Molecular consequence: intron variant.
Genome position (GRCh38, 1-based): chr20:58,903,794, A>G. VCF-style: chr20-58903794-A-G. GRCh37 (hg19) VCF-style: chr20-57478849-A-G.
Other names: c.432+3A>G (NM_000516.5); c.*338+3A>G (NM_016592.5); c.336+3A>G (NM_001410912.1); c.255+3A>G (NM_001309861.2, NM_001309840.2); c.*293+3A>G (NM_001077490.3); c.2361+3A>G (NM_080425.4); c.2316+3A>G (NM_001410913.1); c.435+3A>G (NM_001077488.5); and 2 more.
Identifiers: ClinVar variation 2722066 (VCV002722066.4), dbSNP rs2517086306, ClinGen allele CA2697547433.

ClinVar aggregate classification (germline): Conflicting classifications of pathogenicity. Review status: criteria provided, conflicting classifications (1 of 4 stars). 2 submissions from 2 submitters: Uncertain significance (1); Likely benign (1). Last evaluated 2025-07-13.

Conditions:
GNAS-related disorder. Identifiers: MedGen CN380105.

Submissions (2):

PreventionGenetics, part of Exact Sciences
Classification: Likely benign for GNAS-related condition. Last evaluated: 2025-07-13. Review status: criteria provided, single submitter. Criteria: ACMG Guidelines, 2015. Collection method: clinical testing. Allele origin: germline.
Comment: This variant is classified as likely benign based on ACMG/AMP sequence variant interpretation guidelines (Richards et al. 2015 PMID: 25741868, with internal and published modifications).

Labcorp Genetics (formerly Invitae), Labcorp
Classification: Uncertain significance. Last evaluated: 2023-07-19. Review status: criteria provided, single submitter. Criteria: Invitae Variant Classification Sherloc (09022015). Collection method: clinical testing. Allele origin: germline.
Comment: In summary, the available evidence is currently insufficient to determine the role of this variant in disease. Therefore, it has been classified as a Variant of Uncertain Significance. Variants that disrupt the consensus splice site are a relatively common cause of aberrant splicing (PMID: 17576681, 9536098). Algorithms developed to predict the effect of sequence changes on RNA splicing suggest that this variant is not likely to affect RNA splicing. This variant has not been reported in the literature in individuals affected with GNAS-related conditions. This variant is not present in population databases (gnomAD no frequency). This sequence change falls in intron 5 of the GNAS gene. It does not directly change the encoded amino acid sequence of the GNAS protein. It affects a nucleotide within the consensus splice site.

Literature cited by the submitters: PubMed 17576681 (cited by Labcorp Genetics (formerly Invitae), Labcorp); PubMed 9536098 (cited by Labcorp Genetics (formerly Invitae), Labcorp).